The following is an entry in ClinVar:

ClinVar aggregate classification (germline): Conflicting classifications of pathogenicity. Review status: criteria provided, conflicting classifications (1 of 4 stars). 4 submissions from 3 submitters: Uncertain significance (3); Likely benign (1). Last evaluated 2022-08-04.

Conditions:
Autosomal dominant nonsyndromic hearing loss 6 (LFSNHL). Also called: DEAFNESS, AUTOSOMAL DOMINANT 6; DEAFNESS, AUTOSOMAL DOMINANT 14; DEAFNESS, AUTOSOMAL DOMINANT 38; Autosomal dominant nonsyndromic deafness 6; DIDMOAD (Diabetes Insipidus, Diabetes Mellitus, Optic Atrophy, and Deafness). Identifiers: Orphanet 90635, MedGen C1833021, MONDO:0010963, OMIM 600965.
Wolfram syndrome 1 (WFS1). Identifiers: Orphanet 3463, MedGen C4551693, MONDO:0009101, OMIM 222300.
WFS1-Related Spectrum Disorders.

Submissions (4):

Labcorp Genetics (formerly Invitae), Labcorp
Classification: Uncertain significance. Last evaluated: 2022-08-04. Review status: criteria provided, single submitter. Criteria: Invitae Variant Classification Sherloc (09022015). Collection method: clinical testing. Allele origin: germline.
Comment: This variant occurs in a non-coding region of the WFS1 gene. It does not change the encoded amino acid sequence of the WFS1 protein. In summary, the available evidence is currently insufficient to determine the role of this variant in disease. Therefore, it has been classified as a Variant of Uncertain Significance. Experimental studies and prediction algorithms are not available or were not evaluated, and the functional significance of this variant is currently unknown. ClinVar contains an entry for this variant (Variation ID: 903824). This variant has not been reported in the literature in individuals affected with WFS1-related conditions. This variant is not present in population databases (gnomAD no frequency).

Illumina Laboratory Services, Illumina
Classification: Uncertain significance for WFS1-Related Spectrum Disorders. Last evaluated: 2017-04-27. Review status: criteria provided, single submitter. Criteria: ICSL Variant Classification Criteria 13 December 2019. Collection method: clinical testing. Allele origin: germline.
Comment: This variant was observed as part of a predisposition screen in an ostensibly healthy population. A literature search was performed for the gene, cDNA change, and amino acid change (where applicable). Publications were found based on this search. However, the evidence from the literature, in combination with allele frequency data from public databases where available, was not sufficient to rule this variant in or out of causing disease. Therefore, this variant is classified as a variant of unknown significance.

Illumina Laboratory Services, Illumina
Classification: Uncertain significance for Autosomal dominant nonsyndromic hearing loss 6. Last evaluated: 2017-04-27. Review status: criteria provided, single submitter. Criteria: ICSL Variant Classification Criteria 13 December 2019. Collection method: clinical testing. Allele origin: germline.

Clinical Genomics, Uppaluri K&H Personalized Medicine Clinic
Classification: Likely benign for Wolfram syndrome 1. Review status: criteria provided, single submitter. Criteria: K & H Uppaluri Personalized Medicine Clinic Variant Classification & Assertion Criteria_Updated V.1. Collection method: research. Allele origin: unknown. Inheritance: Autosomal recessive inheritance.
Comment: Potent mutations in WFS1 gene are associated with Wolfram's syndrome, an autosomal recessive condition, which cause diabetes mellitus, diabetes insipidus, deafness and optic atrophy.However no sufficient evidence is found to ascertain the role of this particular variant rs1578579501 yet.

Literature cited by the submitters: PubMed 15605410 (cited by Illumina Laboratory Services, Illumina); PubMed 20738327 (cited by Clinical Genomics, Uppaluri K&H Personalized Medicine Clinic); PubMed 33879153 (cited by Clinical Genomics, Uppaluri K&H Personalized Medicine Clinic); PubMed 12955714 (cited by Clinical Genomics, Uppaluri K&H Personalized Medicine Clinic); PubMed 18060660 (cited by Clinical Genomics, Uppaluri K&H Personalized Medicine Clinic); PubMed 20301750 (cited by Clinical Genomics, Uppaluri K&H Personalized Medicine Clinic); PubMed 17603484 (cited by Clinical Genomics, Uppaluri K&H Personalized Medicine Clinic).

NM_006005.3(WFS1):c.-43G>C

Gene: WFS1 (wolframin ER transmembrane glycoprotein; plus strand). Cytogenetic location: 4p16.1.
Variant type: single nucleotide variant.
Coding change: c.-43G>C on transcript NM_006005.3 (MANE Select); 43 bases upstream of the start codon, G replaced by C.
Molecular consequence: 5 prime UTR variant.
Genome position (GRCh38, 1-based): chr4:6,269,977, G>C. VCF-style: chr4-6269977-G-C. GRCh37 (hg19) VCF-style: chr4-6271704-G-C.
Other names: c.-39G>C (NM_001145853.1).
Identifiers: ClinVar variation 903824 (VCV000903824.12), dbSNP rs1578579501, ClinGen allele CA1139658434.